The following is an entry in ClinVar:

NM_001283009.2(RTEL1):c.259T>C (p.Ser87Pro)

Genes: RTEL1 (regulator of telomere elongation helicase 1; plus strand), RTEL1-TNFRSF6B (RTEL1-TNFRSF6B readthrough (NMD candidate); plus strand). Cytogenetic location: 20q13.33.
Variant type: single nucleotide variant.
Coding change: c.259T>C on transcript NM_001283009.2 (MANE Select); coding-DNA position 259, T replaced by C.
Protein change: p.Ser87Pro; replaces serine 87 with proline.
Molecular consequence: missense variant. On other transcripts: non-coding transcript variant (1), 5 prime UTR variant (1).
Genome position (GRCh38, 1-based): chr20:63,661,454, T>C. VCF-style: chr20-63661454-T-C. GRCh37 (hg19) VCF-style: chr20-62292807-T-C.
Other names: c.-411T>C (NM_001283010.1); c.259T>C, p.Ser87Pro (NM_016434.4, NM_032957.5); short protein forms S87P.
Identifiers: ClinVar variation 2102671 (VCV002102671.4), dbSNP rs543685758, ClinGen allele CA409658120.

ClinVar aggregate classification (germline): Uncertain significance (1 of 4 stars; one submission).

Conditions:
Dyskeratosis congenita, autosomal recessive 5 (DKCB5). Identifiers: MedGen C3554656, MONDO:0014076, OMIM 615190.
Pulmonary fibrosis and/or bone marrow failure, Telomere-related, 3. Also called: PULMONARY FIBROSIS AND/OR BONE MARROW FAILURE SYNDROME, TELOMERE-RELATED, 3. Identifiers: Orphanet 2032, MedGen C4225346, MONDO:0014613, OMIM 616373.

Submission:

Labcorp Genetics (formerly Invitae), Labcorp
Classification: Uncertain significance for Dyskeratosis congenita, autosomal recessive 5; Pulmonary fibrosis and/or bone marrow failure, Telomere-related, 3. Last evaluated: 2022-02-23. Review status: criteria provided, single submitter. Criteria: Invitae Variant Classification Sherloc (09022015). Collection method: clinical testing. Allele origin: germline.
Comment: This sequence change replaces serine, which is neutral and polar, with proline, which is neutral and non-polar, at codon 87 of the RTEL1 protein (p.Ser87Pro). This variant is not present in population databases (gnomAD no frequency). This variant has not been reported in the literature in individuals affected with RTEL1-related conditions. Algorithms developed to predict the effect of missense changes on protein structure and function are either unavailable or do not agree on the potential impact of this missense change (SIFT: "Deleterious"; PolyPhen-2: "Benign"; Align-GVGD: "Class C0"). In summary, the available evidence is currently insufficient to determine the role of this variant in disease. Therefore, it has been classified as a Variant of Uncertain Significance.